The following is an entry in ClinVar:

NM_032242.4(PLXNA1):c.2908C>T (p.Arg970Cys)

Genes: PLXNA1 (plexin A1; plus strand), LOC129937476 (ATAC-STARR-seq lymphoblastoid active region 20450; plus strand). Cytogenetic location: 3q21.3.
Variant type: single nucleotide variant.
Coding change: c.2908C>T on transcript NM_032242.4 (MANE Select); coding-DNA position 2908, C replaced by T.
Protein change: p.Arg970Cys; replaces arginine 970 with cysteine.
Molecular consequence: missense variant.
Genome position (GRCh38, 1-based): chr3:127,015,214, C>T. VCF-style: chr3-127015214-C-T. GRCh37 (hg19) VCF-style: chr3-126734057-C-T.
Other names: short protein forms R970C.
Identifiers: ClinVar variation 3049216 (VCV003049216.3), dbSNP rs746625568, ClinGen allele CA2593822.
Genomic context (GRCh38, chr3:127,015,214, plus strand): 5'-AGAGTTTCAGCAAGTTCCCTCTTCCTGCAGACACCAACCTTCTACCGTGTGAGCCCCTCC[C>T]GTGGGCCTCTGTCAGGGGGCACCTGGATTGGCATCGAGGGAAGCCACCTGAACGCAGGCA-3'
Protein context (NP_115618.3, residues 960-980): TPTFYRVSPS[Arg970Cys]GPLSGGTWIG

ClinVar aggregate classification (germline): Uncertain significance. Review status: criteria provided, single submitter (1 of 4 stars). 2 submissions from 2 submitters: Uncertain significance (1). 1 of the submissions does not count toward it. Last evaluated 2024-01-09.

Conditions:
PLXNA1-related disorder. Also called: PLXNA1-related condition.

Allele frequency attached by ClinVar (database versions not stated): ExAC 0.00001; gnomAD 0.00001; gnomAD exomes 0.00001; TOPMed 0.00003.
gnomAD v4.1: 4 of 1,613,296 alleles (0.00025%); highest among the groups gnomAD compares: Admixed American, 0.0017%; no homozygotes.

Submissions (2):

Ambry Genetics
Classification: Uncertain significance. Last evaluated: 2024-01-09. Review status: criteria provided, single submitter. Criteria: Ambry Variant Classification Scheme 2023. Collection method: clinical testing. Allele origin: germline.

PreventionGenetics, part of Exact Sciences
Classification: Uncertain significance for PLXNA1-related condition. Last evaluated: 2023-11-30. Review status: no assertion criteria provided. Collection method: clinical testing. Allele origin: germline. Not counted in ClinVar's aggregate classification.
Comment: The PLXNA1 c.2908C>T variant is predicted to result in the amino acid substitution p.Arg970Cys. To our knowledge, this variant has not been reported in the literature. This variant is reported in 0.00088% of alleles in individuals of European (Non-Finnish) descent in gnomAD. At this time, the clinical significance of this variant is uncertain due to the absence of conclusive functional and genetic evidence.